The following is an entry in ClinVar:

NM_152564.5(VPS13B):c.3285C>A (p.Asp1095Glu)

Gene: VPS13B (vacuolar protein sorting 13 homolog B; plus strand). Cytogenetic location: 8q22.2.
Variant type: single nucleotide variant.
Coding change: c.3285C>A on transcript NM_152564.5 (MANE Select); coding-DNA position 3285, C replaced by A.
Protein change: p.Asp1095Glu; replaces aspartic acid 1095 with glutamic acid.
Molecular consequence: missense variant.
Genome position (GRCh38, 1-based): chr8:99,442,475, C>A. VCF-style: chr8-99442475-C-A. GRCh37 (hg19) VCF-style: chr8-100454703-C-A.
Other names: c.3285C>A, p.Asp1095Glu (NM_017890.5); short protein forms D1095E.
Identifiers: ClinVar variation 4996004 (VCV004996004.1).

ClinVar aggregate classification (germline): Uncertain significance (1 of 4 stars; one submission).

Conditions:
VPS13B-related disorder. Also called: VPS13B-related condition.

Submission:

PreventionGenetics, part of Exact Sciences
Classification: Uncertain significance for VPS13B-related condition. Last evaluated: 2026-09-09. Review status: criteria provided, single submitter. Criteria: ACMG Guidelines, 2015. Collection method: clinical testing. Allele origin: germline.
Comment: The VPS13B c.3285C>A variant is predicted to result in the amino acid substitution p.Asp1095Glu. To our knowledge, this variant has not been reported in the literature or in a large population database (gnomAD), indicating this variant is rare. At this time, the clinical significance of this variant is uncertain due to the absence of conclusive functional and genetic evidence.